The following is an entry in ClinVar:

NM_001148.6(ANK2):c.2897C>T (p.Ser966Leu)

Gene: ANK2 (ankyrin 2; plus strand). Cytogenetic location: 4q26.
Variant type: single nucleotide variant.
Coding change: c.2897C>T on transcript NM_001148.6 (MANE Select); coding-DNA position 2897, C replaced by T.
Protein change: p.Ser966Leu; replaces serine 966 with leucine.
Molecular consequence: missense variant.
Genome position (GRCh38, 1-based): chr4:113,318,617, C>T. VCF-style: chr4-113318617-C-T. GRCh37 (hg19) VCF-style: chr4-114239773-C-T.
Other names: c.2834C>T, p.Ser945Leu (NM_001127493.3, NM_001354243.2, NM_001354255.2 and 3 more transcripts); c.2909C>T, p.Ser970Leu (NM_001354225.2); c.2897C>T, p.Ser966Leu (NM_001354228.2, NM_001354232.2, NM_001354258.2 and 1 more transcripts); c.2939C>T, p.Ser980Leu (NM_001354230.2, NM_001354231.2, NM_001354237.2 and 1 more transcripts); c.2894C>T, p.Ser965Leu (NM_001354235.2, NM_001354236.2, NM_001354246.2 and 1 more transcripts); c.2831C>T, p.Ser944Leu (NM_001354239.2, NM_001354244.2, NM_001354252.2 and 3 more transcripts); c.2942C>T, p.Ser981Leu (NM_001354240.2, NM_001354241.2, NM_001386144.1); c.2798C>T, p.Ser933Leu (NM_001354245.2, NM_001354268.2); and 17 more; short protein forms S899L, S912L, S933L, S937L, S945L, S981L, S993L, S1001L.
Identifiers: ClinVar variation 1483365 (VCV001483365.9), dbSNP rs200658794, ClinGen allele CA3050696.
Genomic context (GRCh38, chr4:113,318,617, plus strand): 5'-GCCTAAGCTGGGGCACTGAGAACTTAGACAACGTGGCTCTTTCTTCTAGTCCTATTCATT[C>T]AGGGTGAGTAAATCAATATTATGTATCCTGATCAAGAGGTAAAAAGAGATGGGAGTGAAA-3'
Protein context (NP_001139.3, residues 956-976): NVALSSSPIH[Ser966Leu]GFLVSFMVDA

ClinVar aggregate classification (germline): Uncertain significance. Review status: criteria provided, multiple submitters, no conflicts (2 of 4 stars). 3 submissions from 3 submitters: Uncertain significance (3). Last evaluated 2025-12-15.

Conditions:
Cardiovascular phenotype. Identifiers: MedGen CN230736.
Long QT syndrome (LQTS). Identifiers: MedGen C0023976, MeSH D008133, MONDO:0002442. Disease mechanism: loss of function. Inheritance: Various modes of inheritance.

Allele frequency attached by ClinVar (database versions not stated): gnomAD exomes 0.00001 and below 0.00001; TOPMed 0.00001; gnomAD 0.00001; ExAC 0.00002; 1000 Genomes Project 30x 0.00016; 1000 Genomes Project 0.00020.
gnomAD v4.1: 8 of 1,606,810 alleles (0.0005%); highest among the groups gnomAD compares: Non-Finnish European, 0.00068%; no homozygotes.

Submissions (3):

Women's Health and Genetics/Laboratory Corporation of America, LabCorp
Classification: Uncertain significance. Last evaluated: 2025-12-15. Review status: criteria provided, single submitter. Criteria: LabCorp Variant Classification Summary - May 2015. Collection method: clinical testing. Allele origin: germline.

Labcorp Genetics (formerly Invitae), Labcorp
Classification: Uncertain significance for Long QT syndrome. Last evaluated: 2024-01-20. Review status: criteria provided, single submitter. Criteria: Invitae Variant Classification Sherloc (09022015). Collection method: clinical testing. Allele origin: germline.
Comment: This sequence change replaces serine, which is neutral and polar, with leucine, which is neutral and non-polar, at codon 966 of the ANK2 protein (p.Ser966Leu). This variant is present in population databases (rs200658794, gnomAD 0.002%). This variant has not been reported in the literature in individuals affected with ANK2-related conditions. ClinVar contains an entry for this variant (Variation ID: 1483365). Advanced modeling of protein sequence and biophysical properties (such as structural, functional, and spatial information, amino acid conservation, physicochemical variation, residue mobility, and thermodynamic stability) has been performed at Invitae for this missense variant, however the output from this modeling did not meet the statistical confidence thresholds required to predict the impact of this variant on ANK2 protein function. In summary, the available evidence is currently insufficient to determine the role of this variant in disease. Therefore, it has been classified as a Variant of Uncertain Significance.

Ambry Genetics
Classification: Uncertain significance for Cardiovascular phenotype. Last evaluated: 2022-09-01. Review status: criteria provided, single submitter. Criteria: Ambry Variant Classification Scheme 2023. Collection method: clinical testing. Allele origin: germline.
Comment: The p.S966L variant (also known as c.2897C>T), located in coding exon 26 of the ANK2 gene, results from a C to T substitution at nucleotide position 2897. The serine at codon 966 is replaced by leucine, an amino acid with dissimilar properties. This variant was detected in an unaffected sibling in a neurodevelopmental disorders cohort (Stessman HA et al. Nat Genet, 2017 Apr;49:515-526). According to data from gnomAD, the frequency for this variant is above the maximum credible frequency for a cardiac disease-causing variant in this gene based on internally established thresholds (Karczewski et al. Nature. 2020 May;581(7809):434-443; Whiffin et al. Genet Med. 2017 10;19:1151-1158). This amino acid position is highly conserved in available vertebrate species. In addition, this alteration is predicted to be deleterious by in silico analysis. Based on the supporting evidence, the association of this alteration with ANK2-related neurodevelopmental disorder is unknown; however, the association with ANK2-related arrhythmia is unlikely.

Literature cited by the submitters: PubMed 28191889 (cited by Ambry Genetics).